The following is an entry in ClinVar:

ClinVar aggregate classification (germline): Uncertain significance (1 of 4 stars; one submission).

gnomAD v4.1: 1 of 1,613,648 alleles (0.000062%); highest among the groups gnomAD compares: African/African-American, 0.0013%; no homozygotes.

Submission:

GeneDx
Classification: Uncertain significance. Last evaluated: 2026-02-22. Review status: criteria provided, single submitter. Criteria: GeneDx Variant Classification Process June 2021. Collection method: clinical testing. Allele origin: germline.
Comment: Not observed at significant frequency in large population cohorts (gnomAD); In silico analysis supports that this missense variant has a deleterious effect on protein structure/function; Has not been previously published as pathogenic or benign to our knowledge

NM_006922.4(SCN3A):c.3949C>G (p.Arg1317Gly)

Gene: SCN3A (sodium voltage-gated channel alpha subunit 3; minus strand). Cytogenetic location: 2q24.3.
Variant type: single nucleotide variant.
Coding change: c.3949C>G on transcript NM_006922.4 (MANE Select); coding-DNA position 3949, C replaced by G.
Protein change: p.Arg1317Gly; replaces arginine 1317 with glycine.
Molecular consequence: missense variant.
Genome position (GRCh38, 1-based): chr2:165,100,319, G>C on the plus strand (C>G on the coding strand, the complement: SCN3A is on the minus strand). VCF-style: chr2-165100319-G-C. GRCh37 (hg19) VCF-style: chr2-165956829-G-C.
Other names: c.3802C>G, p.Arg1268Gly (NM_001081676.2, NM_001081677.2); short protein forms R1317G, R1268G.
Identifiers: ClinVar variation 5010034 (VCV005010034.1).
Genomic context (GRCh38, chr2:165,100,319, plus strand): 5'-ATGTAATTTTGACATGAATAATTAGAGTGTCTATTCTTCTTACCCTCATGCCTTCAAACC[G>C]GGATAAGGCTCTTAGAGGTCTTAAAGCTCTTAATGTCCGTAATGATTTGATGGCACCGAG-3'
Protein context (NP_008853.3, residues 1307-1327): RALRPLRALS[Arg1317Gly]FEGMRVVVNA